The following is an entry in ClinVar:

ClinVar aggregate classification (germline): Benign. Review status: criteria provided, multiple submitters, no conflicts (2 of 4 stars). 11 submissions from 10 submitters: Benign (8). 3 of the submissions do not count toward it. Last evaluated 2026-02-04.

Conditions:
Retinitis pigmentosa 39 (RP39). Identifiers: Orphanet 791, MedGen C3151138, MONDO:0013436, OMIM 613809.
Usher syndrome type 2A. Also called: RETINAL DISEASE IN USHER SYNDROME TYPE IIA, MODIFIER OF; USHER SYNDROME, TYPE IIA. Identifiers: Orphanet 231178, Orphanet 886, MedGen C1848634, MONDO:0010169, OMIM 276901.

Allele frequency attached by ClinVar (database versions not stated): gnomAD exomes 0.00048 and 0.00117; ExAC 0.00152; 1000 Genomes Project 0.00379; 1000 Genomes Project 30x 0.00406; gnomAD 0.00502 and 0.00545; TOPMed 0.00541; ESP Exome Variant Server 0.00623.
gnomAD v4.1: 1,486 of 1,613,960 alleles (0.092%); highest among the groups gnomAD compares: African/African-American, 1.7%; 17 homozygotes.

Submissions (11):

Labcorp Genetics (formerly Invitae), Labcorp
Classification: Benign. Last evaluated: 2026-02-04. Review status: criteria provided, single submitter. Criteria: Invitae Variant Classification Sherloc (09022015). Collection method: clinical testing. Allele origin: germline.

Genome-Nilou Lab
Classification: Benign for Retinitis pigmentosa 39. Last evaluated: 2023-11-04. Review status: criteria provided, single submitter. Criteria: ACMG Guidelines, 2015. Collection method: clinical testing. Allele origin: germline. Affected: no.

Genome-Nilou Lab
Classification: Benign for Usher syndrome type 2A. Last evaluated: 2023-11-04. Review status: criteria provided, single submitter. Criteria: ACMG Guidelines, 2015. Collection method: clinical testing. Allele origin: germline. Affected: no.

ARUP Laboratories, Molecular Genetics and Genomics, ARUP Laboratories
Classification: Benign. Last evaluated: 2018-09-14. Review status: criteria provided, single submitter. Criteria: ARUP Molecular Germline Variant Investigation Process. Collection method: clinical testing. Allele origin: germline.

Athena Diagnostics
Classification: Benign. Last evaluated: 2018-05-24. Review status: criteria provided, single submitter. Criteria: Athena Diagnostics Criteria. Collection method: clinical testing. Allele origin: germline.

GeneDx
Classification: Benign. Last evaluated: 2015-03-03. Review status: criteria provided, single submitter. Criteria: GeneDx Variant Classification Process June 2021. Collection method: clinical testing. Allele origin: germline. Affected: yes.

Laboratory for Molecular Medicine, Mass General Brigham Personalized Medicine
Classification: Benign. Last evaluated: 2013-02-06. Review status: criteria provided, single submitter. Criteria: LMM Criteria. Collection method: clinical testing. Allele origin: germline. Observed: 7 variant alleles.
Comment: Thr4742Thr in exon 65 of USH2A: This variant is not expected to have clinical si gnificance because it does not alter an amino acid residue and has been identifi ed in 1.8% (80/4406) of African American chromosomes by the NHLBI Exome Sequenci ng Project.

Breakthrough Genomics
Classification: Benign. Review status: criteria provided, single submitter. Criteria: ACMG Guidelines, 2015. Collection method: not provided. Allele origin: germline. Inheritance: Autosomal recessive inheritance. Affected: yes.

Clinical Genetics DNA and cytogenetics Diagnostics Lab, Erasmus MC, Erasmus Medical Center
Classification: Benign. Review status: no assertion criteria provided. Collection method: clinical testing. Allele origin: germline. Affected: yes. Study: VKGL Data-share Consensus. Not counted in ClinVar's aggregate classification.

Clinical Genetics, Academic Medical Center
Classification: Benign. Review status: no assertion criteria provided. Collection method: clinical testing. Allele origin: germline. Affected: yes. Study: VKGL Data-share Consensus. Not counted in ClinVar's aggregate classification.

Joint Genome Diagnostic Labs from Nijmegen and Maastricht, Radboudumc and MUMC+
Classification: Benign. Review status: no assertion criteria provided. Collection method: clinical testing. Allele origin: germline. Affected: yes. Study: VKGL Data-share Consensus. Not counted in ClinVar's aggregate classification.

Literature cited by the submitters: PubMed 28912962 (cited by Athena Diagnostics).

NM_206933.4(USH2A):c.14226G>A (p.Thr4742=)

Gene: USH2A (usherin; minus strand). Cytogenetic location: 1q41.
Variant type: single nucleotide variant.
Coding change: c.14226G>A on transcript NM_206933.4 (MANE Select); coding-DNA position 14226, G replaced by A.
Protein change: p.Thr4742=; no amino-acid change (threonine 4742 retained).
Molecular consequence: synonymous variant.
Genome position (GRCh38, 1-based): chr1:215,650,709, C>T on the plus strand (G>A on the coding strand, the complement: USH2A is on the minus strand). VCF-style: chr1-215650709-C-T. GRCh37 (hg19) VCF-style: chr1-215824051-C-T.
Identifiers: ClinVar variation 48432 (VCV000048432.31), dbSNP rs78576418, ClinGen allele CA143342.